The following is an entry in ClinVar:

NM_005751.5(AKAP9):c.3427C>G (p.Leu1143Val)

Gene: AKAP9 (A-kinase anchoring protein 9; plus strand). Cytogenetic location: 7q21.2.
Variant type: single nucleotide variant.
Coding change: c.3427C>G on transcript NM_005751.5 (MANE Select); coding-DNA position 3427, C replaced by G.
Protein change: p.Leu1143Val; replaces leucine 1143 with valine.
Molecular consequence: missense variant.
Genome position (GRCh38, 1-based): chr7:92,012,537, C>G. VCF-style: chr7-92012537-C-G. GRCh37 (hg19) VCF-style: chr7-91641851-C-G.
Other names: c.3427C>G, p.Leu1143Val (NM_147185.3); short protein forms L1143V.
Identifiers: ClinVar variation 2564457 (VCV002564457.5), dbSNP rs759803761, ClinGen allele CA4336304.

ClinVar aggregate classification (germline): Uncertain significance. Review status: criteria provided, multiple submitters, no conflicts (2 of 4 stars). 2 submissions from 2 submitters: Uncertain significance (2). Last evaluated 2023-10-18.

Conditions:
Cardiovascular phenotype. Identifiers: MedGen CN230736.
Long QT syndrome (LQTS). Identifiers: MedGen C0023976, MeSH D008133, MONDO:0002442. Disease mechanism: loss of function. Inheritance: Various modes of inheritance.

Allele frequency attached by ClinVar (database versions not stated): gnomAD exomes 0.00001; ExAC 0.00001.
gnomAD v4.1: 7 of 1,613,896 alleles (0.00043%); highest among the groups gnomAD compares: South Asian, 0.0077%; no homozygotes.

Submissions (2):

Labcorp Genetics (formerly Invitae), Labcorp
Classification: Uncertain significance for Long QT syndrome. Last evaluated: 2023-10-18. Review status: criteria provided, single submitter. Criteria: Invitae Variant Classification Sherloc (09022015). Collection method: clinical testing. Allele origin: germline.
Comment: This sequence change replaces leucine, which is neutral and non-polar, with valine, which is neutral and non-polar, at codon 1143 of the AKAP9 protein (p.Leu1143Val). This variant is present in population databases (rs759803761, gnomAD 0.003%). This variant has not been reported in the literature in individuals affected with AKAP9-related conditions. ClinVar contains an entry for this variant (Variation ID: 2564457). An algorithm developed to predict the effect of missense changes on protein structure and function (PolyPhen-2) suggests that this variant is likely to be disruptive. In summary, the available evidence is currently insufficient to determine the role of this variant in disease. Therefore, it has been classified as a Variant of Uncertain Significance.

Ambry Genetics
Classification: Uncertain significance for Cardiovascular phenotype. Last evaluated: 2023-04-03. Review status: criteria provided, single submitter. Criteria: Ambry Variant Classification Scheme 2023. Collection method: clinical testing. Allele origin: germline.
Comment: The p.L1143V variant (also known as c.3427C>G), located in coding exon 9 of the AKAP9 gene, results from a C to G substitution at nucleotide position 3427. The leucine at codon 1143 is replaced by valine, an amino acid with highly similar properties. This amino acid position is conserved. In addition, this alteration is predicted to be tolerated by in silico analysis. Since supporting evidence is limited at this time, the clinical significance of this alteration remains unclear.